The following is an entry in ClinVar:

ClinVar aggregate classification (germline): Uncertain significance (1 of 4 stars; one submission).

Conditions:
Diamond-Blackfan anemia. Also called: Blackfan Diamond syndrome; Aregenerative anemia chronic congenital; Red cell aplasia, pure hereditary; Congenital hypoplastic anemia; Aase syndrome. Identifiers: Orphanet 124, MedGen C1260899, MeSH D029503, MONDO:0015253, HP:0004810.
GATA binding protein 1 related thrombocytopenia with dyserythropoiesis. Also called: GATA1-Related Cytopenia; GATA1-Related X-Linked Cytopenia. Identifiers: MedGen C1845837, MONDO:0100089.

Submission:

Labcorp Genetics (formerly Invitae), Labcorp
Classification: Uncertain significance for GATA binding protein 1 related thrombocytopenia with dyserythropoiesis; Diamond-Blackfan anemia. Last evaluated: 2025-03-12. Review status: criteria provided, single submitter. Criteria: Invitae Variant Classification Sherloc (09022015). Collection method: clinical testing. Allele origin: germline.
Comment: This sequence change replaces serine, which is neutral and polar, with proline, which is neutral and non-polar, at codon 310 of the GATA1 protein (p.Ser310Pro). This variant is not present in population databases (gnomAD no frequency). This variant has not been reported in the literature in individuals affected with GATA1-related conditions. Invitae Evidence Modeling of protein sequence and biophysical properties (such as structural, functional, and spatial information, amino acid conservation, physicochemical variation, residue mobility, and thermodynamic stability) has been performed for this missense variant. However, the output from this modeling did not meet the statistical confidence thresholds required to predict the impact of this variant on GATA1 protein function. In summary, the available evidence is currently insufficient to determine the role of this variant in disease. Therefore, it has been classified as a Variant of Uncertain Significance.

NM_002049.4(GATA1):c.928T>C (p.Ser310Pro)

Gene: GATA1 (GATA binding protein 1; plus strand). Cytogenetic location: Xp11.23.
Variant type: single nucleotide variant.
Coding change: c.928T>C on transcript NM_002049.4 (MANE Select); coding-DNA position 928, T replaced by C.
Protein change: p.Ser310Pro; replaces serine 310 with proline.
Molecular consequence: missense variant.
Genome position (GRCh38, 1-based): chrX:48,793,850, T>C. VCF-style: chrX-48793850-T-C. GRCh37 (hg19) VCF-style: chrX-48652257-T-C.
Other names: short protein forms S310P.
Identifiers: ClinVar variation 4783760 (VCV004783760.1).